The following is an entry in ClinVar:

ClinVar aggregate classification (germline): Uncertain significance (1 of 4 stars; one submission).

gnomAD v4.1: 4 of 1,613,186 alleles (0.00025%); highest among the groups gnomAD compares: Non-Finnish European, 0.00034%; no homozygotes.

Submission:

GeneDx
Classification: Uncertain significance. Last evaluated: 2023-12-05. Review status: criteria provided, single submitter. Criteria: GeneDx Variant Classification Process June 2021. Collection method: clinical testing. Allele origin: germline. Affected: yes.
Comment: Not observed at significant frequency in large population cohorts (gnomAD); In silico analysis supports that this missense variant has a deleterious effect on protein structure/function; Has not been previously published as pathogenic or benign to our knowledge

NM_005754.3(G3BP1):c.1337C>T (p.Pro446Leu)

Gene: G3BP1 (G3BP stress granule assembly factor 1; plus strand). Cytogenetic location: 5q33.1.
Variant type: single nucleotide variant.
Coding change: c.1337C>T on transcript NM_005754.3 (MANE Select); coding-DNA position 1337, C replaced by T.
Protein change: p.Pro446Leu; replaces proline 446 with leucine.
Molecular consequence: missense variant.
Genome position (GRCh38, 1-based): chr5:151,804,027, C>T. VCF-style: chr5-151804027-C-T. GRCh37 (hg19) VCF-style: chr5-151183588-C-T.
Other names: c.1337C>T, p.Pro446Leu (NM_198395.2); short protein forms P446L.
Identifiers: ClinVar variation 3365336 (VCV003365336.1).